The following is an entry in ClinVar:

ClinVar aggregate classification (germline): Uncertain significance. Review status: criteria provided, multiple submitters, no conflicts (2 of 4 stars). 2 submissions from 2 submitters: Uncertain significance (2). Last evaluated 2025-09-01.

Conditions:
Hereditary cancer-predisposing syndrome. Also called: Neoplastic Syndromes, Hereditary; Tumor predisposition; Hereditary neoplastic syndrome; Hereditary Cancer Syndrome. Identifiers: Orphanet 140162, MedGen C0027672, MeSH D009386, MONDO:0015356.
Rhabdoid tumor predisposition syndrome 2 (RTPS2). Identifiers: Orphanet 231108, Orphanet 69077, MedGen C2750074, MONDO:0013224, OMIM 613325.

Submissions (2):

Ambry Genetics
Classification: Uncertain significance for Hereditary cancer-predisposing syndrome. Last evaluated: 2025-09-01. Review status: criteria provided, single submitter. Criteria: Ambry Variant Classification Scheme 2023. Collection method: clinical testing. Allele origin: germline.
Comment: The p.M1319L variant (also known as c.3955A>C), located in coding exon 28 of the SMARCA4 gene, results from an A to C substitution at nucleotide position 3955. The methionine at codon 1319 is replaced by leucine, an amino acid with highly similar properties. This amino acid position is conserved. In addition, the in silico prediction for this alteration is inconclusive. Based on the available evidence, the clinical significance of this variant remains unclear.

Labcorp Genetics (formerly Invitae), Labcorp
Classification: Uncertain significance for Rhabdoid tumor predisposition syndrome 2. Last evaluated: 2021-02-07. Review status: criteria provided, single submitter. Criteria: Invitae Variant Classification Sherloc (09022015). Collection method: clinical testing. Allele origin: germline.
Comment: This sequence change replaces methionine with leucine at codon 1319 of the SMARCA4 protein (p.Met1319Leu). The methionine residue is highly conserved and there is a small physicochemical difference between methionine and leucine. This variant is not present in population databases (ExAC no frequency). This variant has not been reported in the literature in individuals with SMARCA4-related conditions. Algorithms developed to predict the effect of missense changes on protein structure and function (SIFT, PolyPhen-2, Align-GVGD) all suggest that this variant is likely to be tolerated, but these predictions have not been confirmed by published functional studies and their clinical significance is uncertain. In summary, the available evidence is currently insufficient to determine the role of this variant in disease. Therefore, it has been classified as a Variant of Uncertain Significance.

NM_003072.5(SMARCA4):c.3955A>C (p.Met1319Leu)

Gene: SMARCA4 (SWI/SNF related BAF chromatin remodeling complex subunit ATPase 4; plus strand). Cytogenetic location: 19p13.2.
Variant type: single nucleotide variant.
Coding change: c.3955A>C on transcript NM_003072.5 (MANE Select); coding-DNA position 3955, A replaced by C.
Protein change: p.Met1319Leu; replaces methionine 1319 with leucine.
Molecular consequence: missense variant. On other transcripts: non-coding transcript variant (1).
Genome position (GRCh38, 1-based): chr19:11,034,917, A>C. VCF-style: chr19-11034917-A-C. GRCh37 (hg19) VCF-style: chr19-11145593-A-C.
Other names: c.3955A>C (NM_001128849.1); c.3955A>C, p.Met1319Leu (NM_001128844.3, NM_001128849.3, NM_001387283.1); c.3856A>C, p.Met1286Leu (NM_001128845.2, NM_001128846.2, NM_001128847.4 and 2 more transcripts); short protein forms M1286L, M1319L.
Identifiers: ClinVar variation 1370448 (VCV001370448.9), dbSNP rs2075174627, ClinGen allele CA404067985.
Genomic context (GRCh38, chr19:11,034,917, plus strand): 5'-AGCGTGCCCCTGGTGCCTGCATGCTGATGCCTCTCCCGTTGCCTCCCTGCCCACCAGCGC[A>C]TGGACCTGGACCGCAGGCGCGAGGAGGCCCGCAACCCCAAGCGGAAGCCGCGCCTCATGG-3'
Protein context (NP_003063.2, residues 1309-1329): HEEEFDLFMR[Met1319Leu]DLDRRREEAR